The following is an entry in ClinVar:

NM_001167608.3(RHBDD1):c.788C>T (p.Thr263Met)

Gene: RHBDD1 (rhomboid domain containing 1; plus strand). Cytogenetic location: 2q36.3.
Variant type: single nucleotide variant.
Coding change: c.788C>T on transcript NM_001167608.3 (MANE Select); coding-DNA position 788, C replaced by T.
Protein change: p.Thr263Met; replaces threonine 263 with methionine.
Molecular consequence: missense variant.
Genome position (GRCh38, 1-based): chr2:226,914,283, C>T. VCF-style: chr2-226914283-C-T. GRCh37 (hg19) VCF-style: chr2-227778999-C-T.
Other names: c.788C>T, p.Thr263Met (NM_001349069.2, NM_001349071.2, NM_001349072.2 and 1 more transcripts); short protein forms T263M.
Identifiers: ClinVar variation 2651953 (VCV002651953.24), dbSNP rs34134244, ClinGen allele CA2143881.
Genomic context (GRCh38, chr2:226,914,283, plus strand): 5'-AGGATTATTATCCGCATGGCAGGCCAGATCACTATGAAGAAGCACCCAGGAACTATGACA[C>T]GTACACAGCAGGACTGAGTGAAGAAGAACAGCTCGAGAGAGCATTACAAGCCAGCCTCTG-3'
Protein context (NP_001161080.1, residues 253-273): HYEEAPRNYD[Thr263Met]YTAGLSEEEQ

ClinVar aggregate classification (germline): Likely benign (1 of 4 stars; one submission).

Allele frequency attached by ClinVar (database versions not stated): 1000 Genomes Project 30x 0.00109; 1000 Genomes Project 0.00120; ESP Exome Variant Server 0.00284; gnomAD exomes 0.00306; ExAC 0.00342.
gnomAD v4.1: 4,972 of 1,613,768 alleles (0.31%); highest among the groups gnomAD compares: Non-Finnish European, 0.36%; 19 homozygotes.

Submission:

CeGaT Center for Human Genetics Tuebingen
Classification: Likely benign. Last evaluated: 2023-01-01. Review status: criteria provided, single submitter. Criteria: CeGaT Center For Human Genetics Tuebingen Variant Classification Criteria Version 2. Collection method: clinical testing. Allele origin: germline. Affected: yes. Observed: 1 variant allele.
Comment: RHBDD1: BP4, BS2